The following is an entry in ClinVar:

ClinVar aggregate classification (germline): Uncertain significance (1 of 4 stars; one submission).

Submission:

Labcorp Genetics (formerly Invitae), Labcorp
Classification: Uncertain significance. Last evaluated: 2025-06-12. Review status: criteria provided, single submitter. Criteria: Invitae Variant Classification Sherloc (09022015). Collection method: clinical testing. Allele origin: germline.
Comment: This sequence change replaces glycine, which is neutral and non-polar, with valine, which is neutral and non-polar, at codon 515 of the AFG3L2 protein (p.Gly515Val). This variant is not present in population databases (gnomAD no frequency). This variant has not been reported in the literature in individuals affected with AFG3L2-related conditions. Invitae Evidence Modeling of protein sequence and biophysical properties (such as structural, functional, and spatial information, amino acid conservation, physicochemical variation, residue mobility, and thermodynamic stability) indicates that this missense variant is expected to disrupt AFG3L2 protein function with a positive predictive value of 95%. In summary, the available evidence is currently insufficient to determine the role of this variant in disease. Therefore, it has been classified as a Variant of Uncertain Significance.

NM_006796.3(AFG3L2):c.1544G>T (p.Gly515Val)

Gene: AFG3L2 (AFG3 like matrix AAA peptidase subunit 2; minus strand). Cytogenetic location: 18p11.21.
Variant type: single nucleotide variant.
Coding change: c.1544G>T on transcript NM_006796.3 (MANE Select); coding-DNA position 1544, G replaced by T.
Protein change: p.Gly515Val; replaces glycine 515 with valine.
Molecular consequence: missense variant.
Genome position (GRCh38, 1-based): chr18:12,351,093, C>A on the plus strand (G>T on the coding strand, the complement: AFG3L2 is on the minus strand). VCF-style: chr18-12351093-C-A. GRCh37 (hg19) VCF-style: chr18-12351092-C-A.
Other names: short protein forms G515V.
Identifiers: ClinVar variation 4802994 (VCV004802994.1).